The following is an entry in ClinVar:

ClinVar aggregate classification (germline): Uncertain significance. Review status: criteria provided, multiple submitters, no conflicts (2 of 4 stars). 2 submissions from 2 submitters: Uncertain significance (2). Last evaluated 2025-03-20.

Conditions:
Kabuki syndrome. Also called: NIIKAWA-KUROKI SYNDROME; Kabuki make-up syndrome. Identifiers: Orphanet 2322, MedGen C0796004, MONDO:0016512.

Submissions (2):

Labcorp Genetics (formerly Invitae), Labcorp
Classification: Uncertain significance for Kabuki syndrome. Last evaluated: 2025-03-20. Review status: criteria provided, single submitter. Criteria: Invitae Variant Classification Sherloc (09022015). Collection method: clinical testing. Allele origin: germline.
Comment: This variant, c.2370_2396del, results in the deletion of 9 amino acid(s) of the KMT2D protein (p.Ala792_Gln800del), but otherwise preserves the integrity of the reading frame. This variant is present in population databases (no rsID available, gnomAD 0.002%). This variant has not been reported in the literature in individuals affected with KMT2D-related conditions. ClinVar contains an entry for this variant (Variation ID: 1704010). Experimental studies and prediction algorithms are not available or were not evaluated, and the functional significance of this variant is currently unknown. In summary, the available evidence is currently insufficient to determine the role of this variant in disease. Therefore, it has been classified as a Variant of Uncertain Significance.

GeneDx
Classification: Uncertain significance. Last evaluated: 2023-09-21. Review status: criteria provided, single submitter. Criteria: GeneDx Variant Classification Process June 2021. Collection method: clinical testing. Allele origin: germline. Affected: yes.
Comment: In-frame deletion of 9 amino acids in a non-repeat region; In silico analysis supports that this variant does not alter protein structure/function; Has not been previously published as pathogenic or benign to our knowledge

NM_003482.4(KMT2D):c.2370_2396del (p.Ala792_Gln800del)

Gene: KMT2D (lysine methyltransferase 2D; minus strand). Cytogenetic location: 12q13.12.
Variant type: Deletion.
Coding change: c.2370_2396del on transcript NM_003482.4 (MANE Select); coding-DNA positions 2370 to 2396, 27 bases deleted (CCAGGCTGAGGGACCACATCTGTCCCC).
Protein change: p.Ala792_Gln800del.
Molecular consequence: inframe deletion.
Genome position (GRCh38, 1-based): chr12:49,051,287-49,051,313, GGGGACAGATGTGGTCCCTCAGCCTGG deleted on the plus strand (CCAGGCTGAGGGACCACATCTGTCCCC on the coding strand, the reverse complement: KMT2D is on the minus strand); deleting any 27 consecutive bases within chr12:49,051,287-49,051,320 gives the same sequence; the c. name uses the placement nearest the transcript's 3' end. VCF-style (leftmost placement, unchanged base first): chr12-49051286-AGGGGACAGATGTGGTCCCTCAGCCTGG-A. GRCh37 (hg19) VCF-style: chr12-49445069-AGGGGACAGATGTGGTCCCTCAGCCTGG-A.
Identifiers: ClinVar variation 1704010 (VCV001704010.6), dbSNP rs1259703499, ClinGen allele CA605234064.